The following is an entry in ClinVar:

NM_019892.6(INPP5E):c.1280-10G>A

Gene: INPP5E (inositol polyphosphate-5-phosphatase E; minus strand). Cytogenetic location: 9q34.3.
Variant type: single nucleotide variant.
Coding change: c.1280-10G>A on transcript NM_019892.6 (MANE Select); 10 bases into the intron before coding-DNA position 1280, G replaced by A.
Molecular consequence: intron variant.
Genome position (GRCh38, 1-based): chr9:136,432,596, C>T on the plus strand (G>A on the coding strand, the complement: INPP5E is on the minus strand). VCF-style: chr9-136432596-C-T. GRCh37 (hg19) VCF-style: chr9-139327048-C-T.
Other names: c.1280-10G>A (NM_019892.5); c.1280-13G>A (NM_001318502.2).
Identifiers: ClinVar variation 1670327 (VCV001670327.10), dbSNP rs780428016, ClinGen allele CA5336849.

ClinVar aggregate classification (germline): Likely benign. Review status: criteria provided, single submitter (1 of 4 stars). 2 submissions from 2 submitters: Likely benign (1). 1 of the submissions does not count toward it. Last evaluated 2024-09-03.

Conditions:
INPP5E-related disorder. Also called: INPP5E-related condition.
Joubert syndrome. Also called: CEREBELLOPARENCHYMAL DISORDER IV; JOUBERT-BOLTSHAUSER SYNDROME; Familial aplasia of the vermis. Identifiers: Orphanet 475, MedGen C5979921, MONDO:0018772.

Allele frequency attached by ClinVar (database versions not stated): TOPMed 0.00002; gnomAD 0.00003 and 0.00004; gnomAD exomes 0.00004 and 0.00008; ExAC 0.00005.
gnomAD v4.1: 106 of 1,515,414 alleles (0.007%); highest among the groups gnomAD compares: Non-Finnish European, 0.0091%; no homozygotes.

Submissions (2):

Labcorp Genetics (formerly Invitae), Labcorp
Classification: Likely benign for Joubert syndrome. Last evaluated: 2024-09-03. Review status: criteria provided, single submitter. Criteria: Invitae Variant Classification Sherloc (09022015). Collection method: clinical testing. Allele origin: germline.

PreventionGenetics, part of Exact Sciences
Classification: Likely benign for INPP5E-related condition. Last evaluated: 2022-08-10. Review status: no assertion criteria provided. Collection method: clinical testing. Allele origin: germline. Not counted in ClinVar's aggregate classification.
Comment: This variant is classified as likely benign based on ACMG/AMP sequence variant interpretation guidelines (Richards et al. 2015 PMID: 25741868, with internal and published modifications).